The following is an entry in ClinVar:

ClinVar aggregate classification (germline): Uncertain significance. Review status: criteria provided, multiple submitters, no conflicts (2 of 4 stars). 2 submissions from 2 submitters: Uncertain significance (2). Last evaluated 2025-05-27.

Conditions:
Charcot-Marie-Tooth disease type 2. Also called: Charcot-Marie-Tooth type 2. Identifiers: Orphanet 64746, MedGen C0270914, MONDO:0018993.

gnomAD v4.1: 11 of 1,613,822 alleles (0.00068%); highest among the groups gnomAD compares: South Asian, 0.0022%; no homozygotes.

Submissions (2):

Labcorp Genetics (formerly Invitae), Labcorp
Classification: Uncertain significance for Charcot-Marie-Tooth disease type 2. Last evaluated: 2025-05-27. Review status: criteria provided, single submitter. Criteria: Invitae Variant Classification Sherloc (09022015). Collection method: clinical testing. Allele origin: germline.
Comment: This sequence change replaces arginine, which is basic and polar, with histidine, which is basic and polar, at codon 556 of the KIF1B protein (p.Arg556His). This variant is present in population databases (no rsID available, gnomAD 0.003%). This variant has not been reported in the literature in individuals affected with KIF1B-related conditions. ClinVar contains an entry for this variant (Variation ID: 1777590). Invitae Evidence Modeling of protein sequence and biophysical properties (such as structural, functional, and spatial information, amino acid conservation, physicochemical variation, residue mobility, and thermodynamic stability) indicates that this missense variant is not expected to disrupt KIF1B protein function with a negative predictive value of 80%. In summary, the available evidence is currently insufficient to determine the role of this variant in disease. Therefore, it has been classified as a Variant of Uncertain Significance.

Ambry Genetics
Classification: Uncertain significance. Last evaluated: 2024-05-19. Review status: criteria provided, single submitter. Criteria: Ambry Variant Classification Scheme 2023. Collection method: clinical testing. Allele origin: germline.
Comment: The p.R556H variant (also known as c.1667G>A), located in coding exon 17 of the KIF1B gene, results from a G to A substitution at nucleotide position 1667. The arginine at codon 556 is replaced by histidine, an amino acid with highly similar properties. This amino acid position is not well conserved in available vertebrate species. In addition, the in silico prediction for this alteration is inconclusive. Since supporting evidence is limited at this time, the clinical significance of this alteration remains unclear.

NM_001365951.3(KIF1B):c.1805G>A (p.Arg602His)

Gene: KIF1B (kinesin family member 1B; plus strand). Cytogenetic location: 1p36.22.
Variant type: single nucleotide variant.
Coding change: c.1805G>A on transcript NM_001365951.3 (MANE Select); coding-DNA position 1805, G replaced by A.
Protein change: p.Arg602His; replaces arginine 602 with histidine.
Molecular consequence: missense variant.
Genome position (GRCh38, 1-based): chr1:10,296,609, G>A. VCF-style: chr1-10296609-G-A. GRCh37 (hg19) VCF-style: chr1-10356667-G-A.
Other names: c.1805G>A, p.Arg602His (NM_001365952.1); c.1667G>A, p.Arg556His (NM_001365953.1, NM_015074.3, NM_183416.4); short protein forms R556H, R602H.
Identifiers: ClinVar variation 1777590 (VCV001777590.8), dbSNP rs1173721364, ClinGen allele CA338315653.
Genomic context (GRCh38, chr1:10,296,609, plus strand): 5'-ATGATAACATTAGTTTGTGTTTGTTCCTCTTAGTTATCGTGACCTTAGAGCCCTGTGAGC[G>A]CTCAGAAACCTACGTAAATGGCAAGAGGGTGTCCCAGCCTGTTCAGCTGCGCTCAGGTGA-3'
Protein context (NP_001352880.1, residues 592-612): EVIVTLEPCE[Arg602His]SETYVNGKRV